The following is an entry in ClinVar:

ClinVar aggregate classification (germline): Benign/Likely benign. Review status: criteria provided, multiple submitters, no conflicts (2 of 4 stars). 8 submissions from 8 submitters: Benign (1); Likely benign (6). 1 of the submissions does not count toward it. Last evaluated 2026-05-07.

Conditions:
TECPR2-related disorder. Also called: TECPR2-related condition.
Hereditary spastic paraplegia. Also called: Familial spastic paraparesis. Identifiers: Orphanet 685, MedGen C0037773, MONDO:0019064. Disease mechanism: loss of function.
Hereditary spastic paraplegia 49 (HSAN9). Also called: Spastic paraplegia 49, autosomal recessive; TECPR2-Related Hereditary Sensory and Autonomic Neuropathy with Intellectual Disability; NEUROPATHY, HEREDITARY SENSORY AND AUTONOMIC, TYPE IX, WITH DEVELOPMENTAL DELAY. Identifiers: Orphanet 320385, MedGen C5190860, MONDO:0014016, OMIM 615031.

Allele frequency attached by ClinVar (database versions not stated): ExAC 0.00162; gnomAD exomes 0.00570; gnomAD 0.00786 and 0.00869.
gnomAD v4.1: 3,430 of 592,238 alleles (0.58%); highest among the groups gnomAD compares: Non-Finnish European, 0.69%; 30 homozygotes.

Submissions (10):

Women's Health and Genetics/Laboratory Corporation of America, LabCorp
Classification: Likely benign. Last evaluated: 2026-05-07. Review status: criteria provided, single submitter. Criteria: LabCorp Variant Classification Summary - May 2015. Collection method: clinical testing. Allele origin: germline.
Comment: Variant summary: TECPR2 c.952-5G>A alters a conserved nucleotide located at a position not widely known to affect splicing. Consensus agreement among computation tools predict no significant impact on normal splicing. However, these predictions have yet to be confirmed by functional studies. The variant allele was found at a frequency of 0.0035 in 21844 control chromosomes, predominantly at a frequency of 0.0048 within the Latino subpopulation in the gnomAD database, including 1 homozygote. The available data on variant occurrences in the general population are insufficient to allow any conclusion about variant significance. To our knowledge, no occurrence of c.952-5G>A in individuals affected with TECPR2-related conditions and no experimental evidence demonstrating its impact on protein function have been reported. ClinVar contains an entry for this variant (Variation ID: 240925). Based on the evidence outlined above, the variant was classified as likely benign.

Labcorp Genetics (formerly Invitae), Labcorp
Classification: Likely benign for Hereditary spastic paraplegia 49. Last evaluated: 2026-02-04. Review status: criteria provided, single submitter. Criteria: Invitae Variant Classification Sherloc (09022015). Collection method: clinical testing. Allele origin: germline.

CeGaT Center for Human Genetics Tuebingen
Classification: Likely benign. Last evaluated: 2025-12-01. Review status: criteria provided, single submitter. Criteria: CeGaT Center For Human Genetics Tuebingen Variant Classification Criteria Version 2. Collection method: clinical testing. Allele origin: germline. Affected: yes. Observed: 8 variant alleles.
Comment: TECPR2: BP4, BS2

Blueprint Genetics
Classification: Likely benign. Last evaluated: 2024-11-26. Review status: criteria provided, single submitter. Criteria: ACMG Guidelines, 2015. Collection method: clinical testing. Allele origin: germline.

Mayo Clinic Laboratories, Mayo Clinic
Classification: Benign. Last evaluated: 2024-11-26. Review status: criteria provided, single submitter. Criteria: ACMG Guidelines, 2015. Collection method: clinical testing. Allele origin: germline. Observed: 2 variant alleles.
Comment: BA1, BP4, BP7

Genome Diagnostics Laboratory, The Hospital for Sick Children
Classification: Likely benign for Hereditary spastic paraplegia. Last evaluated: 2021-08-16. Review status: criteria provided, single submitter. Criteria: ACMG Guidelines, 2015. Collection method: clinical testing. Allele origin: germline. Affected: yes.

GeneDx
Classification: Likely benign. Last evaluated: 2020-07-14. Review status: criteria provided, single submitter. Criteria: GeneDx Variant Classification Process June 2021. Collection method: clinical testing. Allele origin: germline. Affected: yes.

PreventionGenetics, part of Exact Sciences
Classification: Likely benign for TECPR2-related condition. Last evaluated: 2019-12-12. Review status: no assertion criteria provided. Collection method: clinical testing. Allele origin: germline. Not counted in ClinVar's aggregate classification.
Comment: This variant is classified as likely benign based on ACMG/AMP sequence variant interpretation guidelines (Richards et al. 2015 PMID: 25741868, with internal and published modifications).

Dr. Peter K. Rogan Lab, Western University
No classification provided (evidence only). Condition: Lung cancer. Review status: no classification provided. Collection method: in vitro. Allele origin: not applicable. Functional consequence: retained intron. Not counted in ClinVar's aggregate classification.

Dr. Peter K. Rogan Lab, Western University
No classification provided (evidence only). Condition: Cervical cancer. Review status: no classification provided. Collection method: in vitro. Allele origin: not applicable. Functional consequence: retained intron. Not counted in ClinVar's aggregate classification.

NM_014844.5(TECPR2):c.952-5G>A

Gene: TECPR2 (tectonin beta-propeller repeat containing 2; plus strand). Cytogenetic location: 14q32.31.
Variant type: single nucleotide variant.
Coding change: c.952-5G>A on transcript NM_014844.5 (MANE Select); 5 bases into the intron before coding-DNA position 952, G replaced by A.
Molecular consequence: intron variant.
Genome position (GRCh38, 1-based): chr14:102,428,245, G>A. VCF-style: chr14-102428245-G-A. GRCh37 (hg19) VCF-style: chr14-102894582-G-A.
Other names: p.?; c.952-5G>A (NM_001172631.3).
Identifiers: ClinVar variation 240925 (VCV000240925.60), dbSNP rs55716270, ClinGen allele CA7357609.